The following is an entry in ClinVar:

NM_000092.5(COL4A4):c.1030-2A>C

Gene: COL4A4 (collagen type IV alpha 4 chain; minus strand). Cytogenetic location: 2q36.3.
Variant type: single nucleotide variant.
Coding change: c.1030-2A>C on transcript NM_000092.5 (MANE Select); the canonical splice acceptor site of the intron before coding-DNA position 1030, A replaced by C.
Molecular consequence: splice acceptor variant.
Genome position (GRCh38, 1-based): chr2:227,099,691, T>G on the plus strand (A>C on the coding strand, the complement: COL4A4 is on the minus strand). VCF-style: chr2-227099691-T-G. GRCh37 (hg19) VCF-style: chr2-227964407-T-G.
Identifiers: ClinVar variation 555077 (VCV000555077.18), dbSNP rs1553681714, ClinGen allele CA350854993.

ClinVar aggregate classification (germline): Likely pathogenic. Review status: criteria provided, multiple submitters, no conflicts (2 of 4 stars). 6 submissions from 6 submitters: Likely pathogenic (5). 1 of the submissions does not count toward it. Last evaluated 2025-11-18.

Conditions:
Autosomal recessive Alport syndrome (ATS2). Also called: COL4A4 Alport Syndrome and Thin Basement Membrane Nephropathy; Alport syndrome type 2; ALPORT SYNDROME 2, AUTOSOMAL RECESSIVE; COL4A3-Related Nephropathy. Identifiers: Orphanet 63, Orphanet 88919, MedGen C4746745, MONDO:0008762, OMIM 203780.
Hematuria, benign familial, 1 (BFH1). Also called: THIN MEMBRANE NEPHROPATHY. Identifiers: MedGen CN376803, MONDO:0007709, OMIM 141200.
COL4A4-related disorder.
Alport syndrome. Also called: Hemorrhagic familial nephritis; Hemorrhagic hereditary nephritis; Congenital hereditary hematuria. Identifiers: Orphanet 63, MedGen C1567741, MONDO:0018965.
Autosomal dominant Alport syndrome (ATS3A). Also called: Alport syndrome dominant type; Renal failure and sensorineural hearing loss; ALPORT SYNDROME 3A, AUTOSOMAL DOMINANT. Identifiers: Orphanet 63, Orphanet 88918, MedGen C5882663, MONDO:0007086, OMIM 104200.

Allele frequency attached by ClinVar (database versions not stated): gnomAD exomes below 0.00001.

Submissions (6):

Natera, Inc.
Classification: Likely pathogenic for Alport syndrome. Last evaluated: 2025-11-18. Review status: criteria provided, single submitter. Criteria: Natera Variant Classification Schema (03/2026). Collection method: clinical testing. Allele origin: germline.
Comment: The c.1030-2A>C variant in COL4A4 is a canonical splice acceptor site variant predicted to affect pre-mRNA splicing, which may result in an abnormal transcript and altered protein product. This variant is expected to result in nonsense mediated decay, truncation, or a dysfunctional protein product. This variant is rare in the general population with a frequency below the threshold expected for the associated phenotype(s). Given the available evidence, this variant is classified as Likely Pathogenic.

Labcorp Genetics (formerly Invitae), Labcorp
Classification: Likely pathogenic. Last evaluated: 2024-02-16. Review status: criteria provided, single submitter. Criteria: Invitae Variant Classification Sherloc (09022015). Collection method: clinical testing. Allele origin: germline.
Comment: This sequence change affects an acceptor splice site in intron 17 of the COL4A4 gene. It is expected to disrupt RNA splicing. Variants that disrupt the donor or acceptor splice site typically lead to a loss of protein function (PMID: 16199547), and loss-of-function variants in COL4A4 are known to be pathogenic (PMID: 21196518, 24854265, 25307543). This variant is not present in population databases (gnomAD no frequency). Disruption of this splice site has been observed in individual(s) with Alport syndrome (Invitae). ClinVar contains an entry for this variant (Variation ID: 555077). Algorithms developed to predict the effect of sequence changes on RNA splicing suggest that this variant may disrupt the consensus splice site. In summary, the currently available evidence indicates that the variant is pathogenic, but additional data are needed to prove that conclusively. Therefore, this variant has been classified as Likely Pathogenic.

Fulgent Genetics
Classification: Likely pathogenic for Hematuria, benign familial, 1; Autosomal recessive Alport syndrome. Last evaluated: 2023-12-29. Review status: criteria provided, single submitter. Criteria: ACMG Guidelines, 2015. Collection method: clinical testing. Allele origin: germline.

Molecular Genetics, Royal Melbourne Hospital
Classification: Likely pathogenic for Autosomal dominant Alport syndrome. Last evaluated: 2023-06-06. Review status: criteria provided, single submitter. Criteria: ACMG Guidelines, 2015. Collection method: clinical testing. Allele origin: germline. Affected: yes.
Comment: This sequence change in COL4A4 occurs within the canonical splice acceptor site of intron 17. It is predicted to cause either skipping of biologically relevant exon 18/48, resulting in a frameshift leading to nonsense-mediated decay in a gene in which loss-of-function is an established disease mechanism or cryptic acceptor activation leading to an in-frame insertion interrupting the critical collagen triple helical region (PMID: 20301386). This variant is present in a single East Asian individual (1/17,954 alleles) from the population database gnomAD v2.1, which is consistent with Alport syndrome. The variant has been identified in at least two individuals with features consistent with Alport syndrome (ClinVar: SCV001577632.3; Royal Melbourne Hospital). Based on the classification scheme RMH Modified ACMG/AMP Guidelines v1.6.1, this variant is classified as LIKELY PATHOGENIC. Following criteria are met: PVS1_Strong, PS4_Supporting, PM2_Supporting.

Blueprint Genetics
Classification: Likely pathogenic for COL4A4-related disorders. Last evaluated: 2023-04-06. Review status: criteria provided, single submitter. Criteria: ACMG Guidelines, 2015. Collection method: clinical testing. Allele origin: germline. Affected: yes. Observed: 2 variant alleles.

Counsyl
Classification: Likely pathogenic for Autosomal recessive Alport syndrome. Last evaluated: 2017-11-13. Review status: no assertion criteria provided. Collection method: clinical testing. Allele origin: unknown. Not counted in ClinVar's aggregate classification.

Literature cited by the submitters: PubMed 16199547 (cited by Labcorp Genetics (formerly Invitae), Labcorp); PubMed 21196518 (cited by Labcorp Genetics (formerly Invitae), Labcorp); PubMed 24854265 (cited by Labcorp Genetics (formerly Invitae), Labcorp); PubMed 25307543 (cited by Labcorp Genetics (formerly Invitae), Labcorp); PubMed 20301386 (cited by Molecular Genetics, Royal Melbourne Hospital).